The following is an entry in ClinVar:

ClinVar aggregate classification (germline): Benign (1 of 4 stars; one submission).

Conditions:
Macular corneal dystrophy (MCD). Also called: GROENOUW TYPE II CORNEAL DYSTROPHY; Macular corneal dystrophy Type I. Identifiers: Orphanet 98969, MedGen C1636149, MONDO:0009020, OMIM 217800.

Allele frequency attached by ClinVar (database versions not stated): gnomAD 0.01509; TOPMed 0.01703; 1000 Genomes Project 0.02316; 1000 Genomes Project 30x 0.02436.

Submission:

Illumina Laboratory Services, Illumina
Classification: Benign for Macular corneal dystrophy. Last evaluated: 2018-01-13. Review status: criteria provided, single submitter. Criteria: ICSL Variant Classification Criteria 13 December 2019. Collection method: clinical testing. Allele origin: germline.
Comment: This variant was observed in the ICSL laboratory as part of a predisposition screen in an ostensibly healthy population. It had not been previously curated by ICSL or reported in the Human Gene Mutation Database (HGMD: prior to June 1st, 2018), and was therefore a candidate for classification through an automated scoring system. Utilizing variant allele frequency, disease prevalence and penetrance estimates, and inheritance mode, an automated score was calculated to assess if this variant is too frequent to cause the disease. Based on the score and internal cut-off values, a variant classified as benign is not then subjected to further curation. The score for this variant resulted in a classification of benign for this disease.

NM_021615.5(CHST6):c.*2956G>A

Gene: CHST6 (carbohydrate sulfotransferase 6; minus strand). Cytogenetic location: 16q23.1.
Variant type: single nucleotide variant.
Coding change: c.*2956G>A on transcript NM_021615.5 (MANE Select); 2956 bases downstream of the stop codon, G replaced by A.
Molecular consequence: 3 prime UTR variant.
Genome position (GRCh38, 1-based): chr16:75,475,685, C>T on the plus strand (G>A on the coding strand, the complement: CHST6 is on the minus strand). VCF-style: chr16-75475685-C-T. GRCh37 (hg19) VCF-style: chr16-75509583-C-T.
Identifiers: ClinVar variation 320542 (VCV000320542.5), dbSNP rs11860278, ClinGen allele CA10638379.